The following is an entry in ClinVar:

NM_015631.6(TCTN3):c.260_265delinsGTG (p.Leu87_Ile89delinsCysVal)

Gene: TCTN3 (tectonic family member 3; minus strand). Cytogenetic location: 10q24.1.
Variant type: Indel.
Coding change: c.260_265delinsGTG on transcript NM_015631.6 (MANE Select); coding-DNA positions 260 to 265, TACCGA replaced by GTG.
Protein change: p.Leu87_Ile89delinsCysVal.
Molecular consequence: inframe indel.
Genome position (GRCh38, 1-based): chr10:95,693,468-95,693,473, TCGGTA replaced by CAC on the plus strand (TACCGA replaced by GTG on the coding strand, the reverse complement: TCTN3 is on the minus strand). VCF-style: chr10-95693468-TCGGTA-CAC. GRCh37 (hg19) VCF-style: chr10-97453225-TCGGTA-CAC.
Other names: c.260_265delinsGTG, p.Leu87_Ile89delinsCysVal (NM_001143973.2, NM_001410982.1).
Identifiers: ClinVar variation 3366055 (VCV003366055.1).

ClinVar aggregate classification (germline): Uncertain significance (1 of 4 stars; one submission).

Submission:

GeneDx
Classification: Uncertain significance. Last evaluated: 2023-10-17. Review status: criteria provided, single submitter. Criteria: GeneDx Variant Classification Process June 2021. Collection method: clinical testing. Allele origin: germline. Affected: yes.
Comment: Not observed at significant frequency in large population cohorts (gnomAD); In-frame deletion of 3 amino acids and insertion of 2 amino acids in a non-repeat region; In silico analysis supports that this variant does not alter protein structure/function; Has not been previously published as pathogenic or benign to our knowledge